The following is an entry in ClinVar:

ClinVar aggregate classification (germline): Uncertain significance (1 of 4 stars; one submission).

Submission:

Labcorp Genetics (formerly Invitae), Labcorp
Classification: Uncertain significance. Last evaluated: 2024-04-29. Review status: criteria provided, single submitter. Criteria: Invitae Variant Classification Sherloc (09022015). Collection method: clinical testing. Allele origin: germline.
Comment: This variant, c.1275_1277del, results in the deletion of 1 amino acid(s) of the ACVR1 protein (p.Glu425del), but otherwise preserves the integrity of the reading frame. This variant is not present in population databases (gnomAD no frequency). This variant has not been reported in the literature in individuals affected with ACVR1-related conditions. In summary, the available evidence is currently insufficient to determine the role of this variant in disease. Therefore, it has been classified as a Variant of Uncertain Significance.

NM_001111067.4(ACVR1):c.1272GGA[1] (p.Glu425del)

Gene: ACVR1 (activin A receptor type 1; minus strand). Cytogenetic location: 2q24.1.
Variant type: Microsatellite.
Coding change: c.1272GGA[1] on transcript NM_001111067.4 (MANE Select); one copy of the 3-base unit GGA starting at c.1272; the reference has two copies in a row; one copy, 3 bases deleted.
Protein change: p.Glu425del; deletes glutamic acid 425.
Molecular consequence: inframe deletion.
Genome position (GRCh38, 1-based): chr2:157,738,558-157,738,560, TCC deleted on the plus strand (GGA on the coding strand, the reverse complement: ACVR1 is on the minus strand); deleting any 3 consecutive bases within chr2:157,738,558-157,738,563 gives the same sequence; the position shown is the placement nearest the transcript's 3' end. VCF-style (leftmost placement, unchanged base first): chr2-157738557-ATCC-A. GRCh37 (hg19) VCF-style: chr2-158595069-ATCC-A.
Other names: c.1272GGA[1], p.Glu425del (NM_001105.5, NM_001347663.1, NM_001347664.1 and 3 more transcripts); short protein forms E425del.
Identifiers: ClinVar variation 2708377 (VCV002708377.3), dbSNP rs2467867128, ClinGen allele CA2697551198.